The following is an entry in ClinVar:

NM_000138.5(FBN1):c.6868G>A (p.Val2290Ile)

Gene: FBN1 (fibrillin 1; minus strand). Cytogenetic location: 15q21.1.
Variant type: single nucleotide variant.
Coding change: c.6868G>A on transcript NM_000138.5 (MANE Select); coding-DNA position 6868, G replaced by A.
Protein change: p.Val2290Ile; replaces valine 2290 with isoleucine.
Molecular consequence: missense variant.
Genome position (GRCh38, 1-based): chr15:48,430,674, C>T on the plus strand (G>A on the coding strand, the complement: FBN1 is on the minus strand). VCF-style: chr15-48430674-C-T. GRCh37 (hg19) VCF-style: chr15-48722871-C-T.
Other names: c.6868G>A, p.Val2290Ile (NM_001406716.1); short protein forms V2290I.
Identifiers: ClinVar variation 3073954 (VCV003073954.1), dbSNP rs2505419759, ClinGen allele CA392331860.

ClinVar aggregate classification (germline): Uncertain significance (1 of 4 stars; one submission).

Conditions:
Marfan syndrome (MFS). Also called: MARFAN SYNDROME, TYPE I; Marfan syndrome type 1; Marfan's syndrome; Marfan syndrome, classic; FBN1-Related Marfan Syndrome. Identifiers: Orphanet 284963, Orphanet 558, MedGen C0024796, MONDO:0007947, OMIM 154700.

Submission:

All of Us Research Program, National Institutes of Health
Classification: Uncertain significance for Marfan syndrome. Last evaluated: 2023-11-30. Review status: criteria provided, single submitter. Criteria: ACMG Guidelines, 2015. Collection method: clinical testing. Allele origin: germline. Inheritance: Autosomal dominant inheritance. Observed: 1 variant allele, 1 heterozygote.
Comment: This study involves interpretation of variants in research participants for the purpose of population health screening. Participant phenotype was not available at the time of variant classification. Additional details can be found in publication PMID: 35346344, PMCID: PMC8962531